The following is an entry in ClinVar:

ClinVar aggregate classification (germline): Uncertain significance (1 of 4 stars; one submission).

Conditions:
Norman-Roberts syndrome (LIS2). Also called: Lissencephaly 2 (Norman-Roberts type). Identifiers: Orphanet 89844, MedGen C0796089, MONDO:0009760, OMIM 257320.
Familial temporal lobe epilepsy 7. Identifiers: Orphanet 101046, MedGen C4225327, MONDO:0014639, OMIM 616436.

Submission:

Labcorp Genetics (formerly Invitae), Labcorp
Classification: Uncertain significance for Familial temporal lobe epilepsy 7; Norman-Roberts syndrome. Last evaluated: 2021-02-21. Review status: criteria provided, single submitter. Criteria: Invitae Variant Classification Sherloc (09022015). Collection method: clinical testing. Allele origin: germline.
Comment: Algorithms developed to predict the effect of missense changes on protein structure and function are either unavailable or do not agree on the potential impact of this missense change (SIFT: "Deleterious"; PolyPhen-2: "Probably Damaging"; Align-GVGD: "Class C0"). In summary, the available evidence is currently insufficient to determine the role of this variant in disease. Therefore, it has been classified as a Variant of Uncertain Significance. This variant has not been reported in the literature in individuals with RELN-related conditions. This sequence change replaces alanine with valine at codon 1587 of the RELN protein (p.Ala1587Val). The alanine residue is highly conserved and there is a small physicochemical difference between alanine and valine. This variant is not present in population databases (ExAC no frequency).

NM_005045.4(RELN):c.4760C>T (p.Ala1587Val)

Gene: RELN (reelin; minus strand). Cytogenetic location: 7q22.1.
Variant type: single nucleotide variant.
Coding change: c.4760C>T on transcript NM_005045.4 (MANE Select); coding-DNA position 4760, C replaced by T.
Protein change: p.Ala1587Val; replaces alanine 1587 with valine.
Molecular consequence: missense variant.
Genome position (GRCh38, 1-based): chr7:103,566,400, G>A on the plus strand (C>T on the coding strand, the complement: RELN is on the minus strand). VCF-style: chr7-103566400-G-A. GRCh37 (hg19) VCF-style: chr7-103206847-G-A.
Other names: c.4760C>T, p.Ala1587Val (NM_173054.3); short protein forms A1587V.
Identifiers: ClinVar variation 1389488 (VCV001389488.8), dbSNP rs2117188595, ClinGen allele CA368748290.